The following is an entry in ClinVar:

NM_001128.6(AP1G1):c.1697A>G (p.Tyr566Cys)

Gene: AP1G1 (adaptor related protein complex 1 subunit gamma 1; minus strand). Cytogenetic location: 16q22.2.
Variant type: single nucleotide variant.
Coding change: c.1697A>G on transcript NM_001128.6 (MANE Select); coding-DNA position 1697, A replaced by G.
Protein change: p.Tyr566Cys; replaces tyrosine 566 with cysteine.
Molecular consequence: missense variant.
Genome position (GRCh38, 1-based): chr16:71,746,621, T>C on the plus strand (A>G on the coding strand, the complement: AP1G1 is on the minus strand). VCF-style: chr16-71746621-T-C. GRCh37 (hg19) VCF-style: chr16-71780524-T-C.
Other names: c.1706A>G, p.Tyr569Cys (NM_001030007.2); short protein forms Y566C, Y569C.
Identifiers: ClinVar variation 3769943 (VCV003769943.1).

ClinVar aggregate classification (germline): Uncertain significance (1 of 4 stars; one submission).

Submission:

GeneDx
Classification: Uncertain significance. Last evaluated: 2024-09-05. Review status: criteria provided, single submitter. Criteria: GeneDx Variant Classification Process June 2021. Collection method: clinical testing. Allele origin: germline. Affected: yes.
Comment: Not observed at significant frequency in large population cohorts (gnomAD); In silico analysis supports that this missense variant has a deleterious effect on protein structure/function; Has not been previously published as pathogenic or benign to our knowledge.